The following is an entry in ClinVar:

NM_001370298.3(FGD4):c.1404+5dup

Gene: FGD4 (FYVE, RhoGEF and PH domain containing 4; plus strand). Cytogenetic location: 12p11.21.
Variant type: Duplication.
Coding change: c.1404+5dup on transcript NM_001370298.3 (MANE Select); 5 bases into the intron after coding-DNA position 1404, one base duplicated (T; older notation c.1404+5dupT).
Molecular consequence: intron variant.
Genome position (GRCh38, 1-based): chr12:32,602,322, T duplicated. VCF-style (leftmost placement, unchanged base first): chr12-32602321-A-AT. GRCh37 (hg19) VCF-style: chr12-32755255-A-AT.
Other names: c.1404+5dup (NM_001384126.1); c.1248+5dup (NM_001304481.2); c.714+5dup (NM_001330374.2, NM_001330373.2, NM_001384130.1); c.993+5dup (NM_139241.3, NM_001384127.1, NM_001385118.1 and 1 more transcripts); c.-59+5dup (NM_001304484.2); c.441+5dup (NM_001370297.1); c.249+5dup (NM_001304483.2).
Identifiers: ClinVar variation 1501889 (VCV001501889.6), dbSNP rs2136659935, ClinGen allele CA2573148557.
Genomic context (GRCh38, chr12:32,602,321, plus strand): 5'-GTTAAAAACATGACAGAACGTATTCCCCAGTTCAAATCAGTGGTTGAAGAAATTCAGGTA[A>AT]TAGGACTGTTTTGTTCAAAGCTATGAATTACTATTTCCATACAAATTATACAGTCTTCTA-3'

ClinVar aggregate classification (germline): Uncertain significance (1 of 4 stars; one submission).

Conditions:
Charcot-Marie-Tooth disease type 4. Also called: Charcot-Marie-Tooth disease, type IV; Charcot-Marie-Tooth, Type 4. Identifiers: Orphanet 64749, MedGen C4082197, MONDO:0018995.

Submission:

Labcorp Genetics (formerly Invitae), Labcorp
Classification: Uncertain significance for Charcot-Marie-Tooth disease type 4. Last evaluated: 2021-01-12. Review status: criteria provided, single submitter. Criteria: Invitae Variant Classification Sherloc (09022015). Collection method: clinical testing. Allele origin: germline.
Comment: This variant is not present in population databases (ExAC no frequency). This sequence change falls in intron 7 of the FGD4 gene. It does not directly change the encoded amino acid sequence of the FGD4 protein. It affects a nucleotide within the consensus splice site of the intron. This variant has not been reported in the literature in individuals with FGD4-related conditions. Nucleotide substitutions within the consensus splice site are a relatively common cause of aberrant splicing (PMID: 17576681, 9536098). Algorithms developed to predict the effect of sequence changes on RNA splicing suggest that this variant is not likely to affect RNA splicing, but this prediction has not been confirmed by published transcriptional studies. In summary, the available evidence is currently insufficient to determine the role of this variant in disease. Therefore, it has been classified as a Variant of Uncertain Significance.

Literature cited by the submitters: PubMed 17576681; PubMed 9536098.